The following is an entry in ClinVar:

ClinVar aggregate classification (germline): Likely pathogenic. Review status: criteria provided, single submitter (1 of 4 stars). 2 submissions from 2 submitters: Likely pathogenic (1). 1 of the submissions does not count toward it.

Conditions:
Progressive demyelinating neuropathy with bilateral striatal necrosis (THMD4). Also called: Thiamine Metabolism Dysfunction Syndrome 4 (THMD-4); BILATERAL STRIATAL DEGENERATION AND PROGRESSIVE POLYNEUROPATHY; Thiamine metabolism dysfunction syndrome 4 (progressive polyneuropathy type). Identifiers: Orphanet 217396, MedGen C3150973, MONDO:0013382, OMIM 613710.

Allele frequency attached by ClinVar (database versions not stated): gnomAD 0.00002; ExAC 0.00003; gnomAD exomes 0.00004; TOPMed 0.00005; 1000 Genomes Project 0.00020; 1000 Genomes Project 30x 0.00047.
gnomAD v4.1: 12 of 1,614,140 alleles (0.00074%); highest among the groups gnomAD compares: East Asian, 0.027%; no homozygotes.

Submissions (2):

Juno Genomics, Hangzhou Juno Genomics, Inc
Classification: Likely pathogenic for Progressive demyelinating neuropathy with bilateral striatal necrosis. Review status: criteria provided, single submitter. Criteria: ACMG Guidelines, 2015. Collection method: clinical testing. Allele origin: germline.
Comment: Absent from controls (or at extremely low frequency if recessive) in Genome Aggregation Database.;Patient's phenotype or family history is highly specific for a disease with a single genetic etiology.;Co-segregation with disease in multiple affected family members.;Well-established in vitro or in vivo functional studies supportive of a damaging effect on the gene or gene product.

OMIM
Classification: Pathogenic for THIAMINE METABOLISM DYSFUNCTION SYNDROME 4 (BILATERAL STRIATAL DEGENERATION AND PROGRESSIVE POLYNEUROPATHY TYPE). Last evaluated: 2022-07-08. Review status: no assertion criteria provided. Collection method: literature only. Allele origin: germline. Not counted in ClinVar's aggregate classification.

Literature cited by the submitters: PubMed 34587972 (cited by OMIM).

NM_001126121.2(SLC25A19):c.76G>A (p.Gly26Arg)

Gene: SLC25A19 (solute carrier family 25 member 19; minus strand). Cytogenetic location: 17q25.1.
Variant type: single nucleotide variant.
Coding change: c.76G>A on transcript NM_001126121.2 (MANE Select); coding-DNA position 76, G replaced by A.
Protein change: p.Gly26Arg; replaces glycine 26 with arginine.
Molecular consequence: missense variant.
Genome position (GRCh38, 1-based): chr17:75,286,689, C>T on the plus strand (G>A on the coding strand, the complement: SLC25A19 is on the minus strand). VCF-style: chr17-75286689-C-T. GRCh37 (hg19) VCF-style: chr17-73282770-C-T.
Other names: SLC25A19, GLY26ARG (rs181826033); c.76G>A, p.Gly26Arg (NM_001126122.2, NM_021734.5); short protein forms G26R.
Identifiers: ClinVar variation 1695341 (VCV001695341.3), dbSNP rs181826033, ClinGen allele CA8761107.